The following is an entry in ClinVar:

ClinVar aggregate classification (germline): Pathogenic/Likely pathogenic. Review status: criteria provided, multiple submitters, no conflicts (2 of 4 stars). 4 submissions from 4 submitters: Pathogenic (3); Likely pathogenic (1). Last evaluated 2025-03-03.

Conditions:
Familial cancer of breast. Also called: BREAST CANCER, FAMILIAL; Hereditary breast cancer; hereditary breast carcinoma. Identifiers: Orphanet 227535, MedGen C0346153, MONDO:0016419, OMIM 114480. Disease mechanism: loss of function.
Hereditary cancer-predisposing syndrome. Also called: Neoplastic Syndromes, Hereditary; Tumor predisposition; Hereditary Cancer Syndrome; Hereditary neoplastic syndrome. Identifiers: Orphanet 140162, MedGen C0027672, MeSH D009386, MONDO:0015356.

Submissions (4):

Ambry Genetics
Classification: Pathogenic for Hereditary cancer-predisposing syndrome. Last evaluated: 2025-03-03. Review status: criteria provided, single submitter. Criteria: Ambry Variant Classification Scheme 2023. Collection method: clinical testing. Allele origin: germline.
Comment: The c.858dupA pathogenic mutation, located in coding exon 4 of the BARD1 gene, results from a duplication of A at nucleotide position 858, causing a translational frameshift with a predicted alternate stop codon (p.E287Rfs*6). This variant is considered to be rare based on population cohorts in the Genome Aggregation Database (gnomAD). This alteration is expected to result in loss of function by premature protein truncation or nonsense-mediated mRNA decay. As such, this alteration is interpreted as a disease-causing mutation.

Labcorp Genetics (formerly Invitae), Labcorp
Classification: Pathogenic for Familial cancer of breast. Last evaluated: 2025-02-27. Review status: criteria provided, single submitter. Criteria: Invitae Variant Classification Sherloc (09022015). Collection method: clinical testing. Allele origin: germline.
Comment: This sequence change creates a premature translational stop signal (p.Glu287Argfs*6) in the BARD1 gene. It is expected to result in an absent or disrupted protein product. Loss-of-function variants in BARD1 are known to be pathogenic (PMID: 20077502, 21344236). This variant is not present in population databases (gnomAD no frequency). This variant has not been reported in the literature in individuals affected with BARD1-related conditions. ClinVar contains an entry for this variant (Variation ID: 482793). For these reasons, this variant has been classified as Pathogenic.

Myriad Genetics, Inc.
Classification: Pathogenic for Familial cancer of breast. Last evaluated: 2023-05-19. Review status: criteria provided, single submitter. Criteria: Myriad Autosomal Dominant, Autosomal Recessive and X-Linked Classification Criteria (2023). Collection method: clinical testing. Allele origin: unknown.
Comment: This variant is considered pathogenic. This variant creates a frameshift predicted to result in premature protein truncation.

Sema4
Classification: Likely pathogenic for Hereditary cancer-predisposing syndrome. Last evaluated: 2021-09-09. Review status: criteria provided, single submitter. Criteria: Sema4 Curation Guidelines. Collection method: curation. Allele origin: germline.
Comment: The BARD1 c.858dupA (p.E287RfsX6) variant has not been reported in the literature to our knowledge. This variant causes a frameshift at amino acid 287 that results in premature termination 6 amino acids downstream. At this location, this is predicted to cause nonsense-mediated decay and result in an absent protein (loss of function). This variant was not observed in the Genome Aggregation Database (PMID: 32461654). The variant has been reported in ClinVar (Variation ID 482793). Based on the current evidence available, this variant is interpreted as likely pathogenic.

Literature cited by the submitters: PubMed 20077502 (cited by Labcorp Genetics (formerly Invitae), Labcorp); PubMed 21344236 (cited by Labcorp Genetics (formerly Invitae), Labcorp).

NM_000465.4(BARD1):c.858dup (p.Glu287fs)

Gene: BARD1 (BRCA1 associated RING domain 1; minus strand). Cytogenetic location: 2q35.
Variant type: Duplication.
Coding change: c.858dup on transcript NM_000465.4 (MANE Select); coding-DNA position 858, one base duplicated (A; older notation c.858dupA).
Protein change: p.Glu287fs; shifts the reading frame from glutamic acid 287.
Molecular consequence: frameshift variant. On other transcripts: non-coding transcript variant (2), intron variant (3).
Genome position (GRCh38, 1-based): chr2:214,781,016, T duplicated on the plus strand (A on the coding strand, the reverse complement: BARD1 is on the minus strand). VCF-style (leftmost placement, unchanged base first): chr2-214781015-C-CT. GRCh37 (hg19) VCF-style: chr2-215645739-C-CT.
Other names: c.801dup, p.Glu268fs (NM_001282543.2); c.158+28396dup (NM_001282548.2); c.215+16045dup (NM_001282545.2); c.364+11281dup (NM_001282549.2); c.858dupA (NM_000465.2); short protein forms E268fs, E287fs.
Identifiers: ClinVar variation 482793 (VCV000482793.17), dbSNP rs1553622397, ClinGen allele CA658657207.